The following is an entry in ClinVar:

NM_177965.4(CFAP418):c.414G>A (p.Leu138=)

Gene: CFAP418 (cilia and flagella associated protein 418; minus strand). Cytogenetic location: 8q22.1.
Variant type: single nucleotide variant.
Coding change: c.414G>A on transcript NM_177965.4 (MANE Select); coding-DNA position 414, G replaced by A.
Protein change: p.Leu138=; no amino-acid change (leucine 138 retained).
Molecular consequence: synonymous variant. On other transcripts: intron variant (1).
Genome position (GRCh38, 1-based): chr8:95,252,244, C>T on the plus strand (G>A on the coding strand, the complement: CFAP418 is on the minus strand). VCF-style: chr8-95252244-C-T. GRCh37 (hg19) VCF-style: chr8-96264472-C-T.
Other names: c.414G>A (NM_177965.3); c.375-4474G>A (NM_001363260.1).
Identifiers: ClinVar variation 1681122 (VCV001681122.8), dbSNP rs150592488, ClinGen allele CA4815145.

ClinVar aggregate classification (germline): Conflicting classifications of pathogenicity. Review status: criteria provided, conflicting classifications (1 of 4 stars). 3 submissions from 3 submitters: Uncertain significance (1); Likely benign (2). Last evaluated 2025-08-24.

Conditions:
CFAP418-related disorder. Also called: CFAP418-related condition.
Retinitis pigmentosa (RP). Identifiers: Orphanet 791, MedGen C0035334, MeSH D012174, MONDO:0019200, OMIM 268000. Inheritance: Autosomal dominant, autosomal recessive and X linked inheritance.
Bardet-biedl syndrome 21. Identifiers: MedGen C4319932, MONDO:0044308, OMIM 617406.
Cone-rod dystrophy 16 (CORD16). Identifiers: MedGen C3281045, MONDO:0013786, OMIM 614500.

Allele frequency attached by ClinVar (database versions not stated): gnomAD 0.00001; gnomAD exomes 0.00001; ESP Exome Variant Server 0.00008; ExAC 0.00001.
gnomAD v4.1: 8 of 1,613,474 alleles (0.0005%); highest among the groups gnomAD compares: Admixed American, 0.0067%; no homozygotes.

Submissions (3):

Labcorp Genetics (formerly Invitae), Labcorp
Classification: Likely benign. Last evaluated: 2025-08-24. Review status: criteria provided, single submitter. Criteria: Invitae Variant Classification Sherloc (09022015). Collection method: clinical testing. Allele origin: germline.

PreventionGenetics, part of Exact Sciences
Classification: Likely benign for CFAP418-related condition. Last evaluated: 2024-12-05. Review status: criteria provided, single submitter. Criteria: ACMG Guidelines, 2015. Collection method: clinical testing. Allele origin: germline.
Comment: This variant is classified as likely benign based on ACMG/AMP sequence variant interpretation guidelines (Richards et al. 2015 PMID: 25741868, with internal and published modifications).

Fulgent Genetics
Classification: Uncertain significance for Retinitis pigmentosa; Cone-rod dystrophy 16; Bardet-biedl syndrome 21. Last evaluated: 2022-04-21. Review status: criteria provided, single submitter. Criteria: ACMG Guidelines, 2015. Collection method: clinical testing. Allele origin: unknown.